The following is an entry in ClinVar:

NM_002471.4(MYH6):c.4465G>A (p.Ala1489Thr)

Gene: MYH6 (myosin heavy chain 6; minus strand). Cytogenetic location: 14q11.2.
Variant type: single nucleotide variant.
Coding change: c.4465G>A on transcript NM_002471.4 (MANE Select); coding-DNA position 4465, G replaced by A.
Protein change: p.Ala1489Thr; replaces alanine 1489 with threonine.
Molecular consequence: missense variant.
Genome position (GRCh38, 1-based): chr14:23,387,818, C>T on the plus strand (G>A on the coding strand, the complement: MYH6 is on the minus strand). VCF-style: chr14-23387818-C-T. GRCh37 (hg19) VCF-style: chr14-23857027-C-T.
Other names: short protein forms A1489T.
Identifiers: ClinVar variation 626805 (VCV000626805.14), dbSNP rs761539900, ClinGen allele CA7114757.
Genomic context (GRCh38, chr14:23,387,818, plus strand): 5'-CCTGAAGGTTCTTGTTCTCCCGCTTGAAGGTCTCTAGGTGCTCCAGGGACTCCTCGTAGG[C>T]GTTCTTGAGCTTGAAGAGCTCTGTGCTGAGGGAGCGAGCCTCCTTCTGTGAGGACTCCAG-3'
Protein context (NP_002462.2, residues 1479-1499): LSTELFKLKN[Ala1489Thr]YEESLEHLET

ClinVar aggregate classification (germline): Uncertain significance. Review status: criteria provided, multiple submitters, no conflicts (2 of 4 stars). 4 submissions from 4 submitters: Uncertain significance (4). Last evaluated 2025-07-21.

Conditions:
Hypertrophic cardiomyopathy 14. Identifiers: MedGen C2750467, MONDO:0013197, OMIM 613251.
Cardiovascular phenotype. Identifiers: MedGen CN230736.
MYH6-related disorder. Also called: MYH6-related condition; MYH6-Related Disorders.
Cardiomyopathy (CMYO). Also called: Cardiomyopathies. Identifiers: Orphanet 167848, MedGen C0878544, MONDO:0004994, HP:0001638. Inheritance: Various modes of inheritance.

Allele frequency attached by ClinVar (database versions not stated): ExAC 0.00001; gnomAD 0.00001; gnomAD exomes 0.00001; TOPMed 0.00002.
gnomAD v4.1: 22 of 1,613,978 alleles (0.0014%); highest among the groups gnomAD compares: East Asian, 0.025%; no homozygotes.

Submissions (4):

Labcorp Genetics (formerly Invitae), Labcorp
Classification: Uncertain significance for Hypertrophic cardiomyopathy 14. Last evaluated: 2025-07-21. Review status: criteria provided, single submitter. Criteria: Invitae Variant Classification Sherloc (09022015). Collection method: clinical testing. Allele origin: germline.
Comment: This sequence change replaces alanine, which is neutral and non-polar, with threonine, which is neutral and polar, at codon 1489 of the MYH6 protein (p.Ala1489Thr). This variant is present in population databases (rs761539900, gnomAD 0.006%). This variant has not been reported in the literature in individuals affected with MYH6-related conditions. ClinVar contains an entry for this variant (Variation ID: 626805). Invitae Evidence Modeling of protein sequence and biophysical properties (such as structural, functional, and spatial information, amino acid conservation, physicochemical variation, residue mobility, and thermodynamic stability) indicates that this missense variant is not expected to disrupt MYH6 protein function with a negative predictive value of 80%. In summary, the available evidence is currently insufficient to determine the role of this variant in disease. Therefore, it has been classified as a Variant of Uncertain Significance.

PreventionGenetics, part of Exact Sciences
Classification: Uncertain significance for MYH6-related condition. Last evaluated: 2023-04-06. Review status: criteria provided, single submitter. Criteria: ACMG Guidelines, 2015. Collection method: clinical testing. Allele origin: germline.
Comment: The MYH6 c.4465G>A variant is predicted to result in the amino acid substitution p.Ala1489Thr. To our knowledge, this variant has not been reported in the literature. This variant is reported in 0.0054% of alleles in individuals of East Asian descent in gnomAD. At this time, the clinical significance of this variant is uncertain due to the absence of conclusive functional and genetic evidence.

Ambry Genetics
Classification: Uncertain significance for Cardiovascular phenotype. Last evaluated: 2023-03-18. Review status: criteria provided, single submitter. Criteria: Ambry Variant Classification Scheme 2023. Collection method: clinical testing. Allele origin: germline.
Comment: The p.A1489T variant (also known as c.4465G>A), located in coding exon 29 of the MYH6 gene, results from a G to A substitution at nucleotide position 4465. The alanine at codon 1489 is replaced by threonine, an amino acid with similar properties. This amino acid position is conserved. In addition, this alteration is predicted to be tolerated by in silico analysis. Since supporting evidence is limited at this time, the clinical significance of this alteration remains unclear.

CHEO Genetics Diagnostic Laboratory, Children's Hospital of Eastern Ontario
Classification: Uncertain significance for Cardiomyopathy. Last evaluated: 2017-08-09. Review status: criteria provided, single submitter. Criteria: ACMG Guidelines, 2015. Collection method: clinical testing. Allele origin: germline. Study: Canadian Open Genetics Repository.